The following is an entry in ClinVar:

ClinVar aggregate classification (germline): Pathogenic (1 of 4 stars; one submission).

Submission:

Labcorp Genetics (formerly Invitae), Labcorp
Classification: Pathogenic. Last evaluated: 2025-01-15. Review status: criteria provided, single submitter. Criteria: Invitae Variant Classification Sherloc (09022015). Collection method: clinical testing. Allele origin: germline.
Comment: This sequence change replaces proline, which is neutral and non-polar, with arginine, which is basic and polar, at codon 1438 of the ABCA4 protein (p.Pro1438Arg). This variant is not present in population databases (gnomAD no frequency). This missense change has been observed in individual(s) with Stargardt disease (PMID: 29925512, 32037395; internal data). ClinVar contains an entry for this variant (Variation ID: 1481282). Invitae Evidence Modeling of protein sequence and biophysical properties (such as structural, functional, and spatial information, amino acid conservation, physicochemical variation, residue mobility, and thermodynamic stability) indicates that this missense variant is expected to disrupt ABCA4 protein function with a positive predictive value of 95%. This variant disrupts the p.Pro1438 amino acid residue in ABCA4. Other variant(s) that disrupt this residue have been determined to be pathogenic (internal data). This suggests that this residue is clinically significant, and that variants that disrupt this residue are likely to be disease-causing. For these reasons, this variant has been classified as Pathogenic.

Literature cited by the submitters: PubMed 29925512; PubMed 32037395.

NM_000350.3(ABCA4):c.4313C>G (p.Pro1438Arg)

Gene: ABCA4 (ATP binding cassette subfamily A member 4; minus strand). Cytogenetic location: 1p22.1.
Variant type: single nucleotide variant.
Coding change: c.4313C>G on transcript NM_000350.3 (MANE Select); coding-DNA position 4313, C replaced by G.
Protein change: p.Pro1438Arg; replaces proline 1438 with arginine.
Molecular consequence: missense variant.
Genome position (GRCh38, 1-based): chr1:94,030,467, G>C on the plus strand (C>G on the coding strand, the complement: ABCA4 is on the minus strand). VCF-style: chr1-94030467-G-C. GRCh37 (hg19) VCF-style: chr1-94496023-G-C.
Other names: c.4091C>G, p.Pro1364Arg (NM_001425324.1); short protein forms P1438R, P1364R.
Identifiers: ClinVar variation 1481282 (VCV001481282.8), dbSNP rs774582644, ClinGen allele CA341285752.